The following is an entry in ClinVar:

NM_001184.4(ATR):c.1449G>T (p.Lys483Asn)

Gene: ATR (ATR checkpoint kinase; minus strand). Cytogenetic location: 3q23.
Variant type: single nucleotide variant.
Coding change: c.1449G>T on transcript NM_001184.4 (MANE Select); coding-DNA position 1449, G replaced by T.
Protein change: p.Lys483Asn; replaces lysine 483 with asparagine.
Molecular consequence: missense variant. On other transcripts: intron variant (1).
Genome position (GRCh38, 1-based): chr3:142,560,355, C>A on the plus strand (G>T on the coding strand, the complement: ATR is on the minus strand). VCF-style: chr3-142560355-C-A. GRCh37 (hg19) VCF-style: chr3-142279197-C-A.
Other names: c.1349+888G>T (NM_001354579.2); short protein forms K483N.
Identifiers: ClinVar variation 1772874 (VCV001772874.5), dbSNP rs200968047, ClinGen allele CA84753947.

ClinVar aggregate classification (germline): Uncertain significance. Review status: criteria provided, multiple submitters, no conflicts (2 of 4 stars). 2 submissions from 2 submitters: Uncertain significance (2). Last evaluated 2023-09-15.

Conditions:
Inborn genetic diseases. Identifiers: MedGen C0950123, MeSH D030342.

Allele frequency attached by ClinVar (database versions not stated): TOPMed below 0.00001; gnomAD 0.00001; gnomAD exomes 0.00001.
gnomAD v4.1: 8 of 1,613,696 alleles (0.0005%); highest among the groups gnomAD compares: Non-Finnish European, 0.00059%; no homozygotes.

Submissions (2):

Ambry Genetics
Classification: Uncertain significance for Inborn genetic diseases. Last evaluated: 2023-09-15. Review status: criteria provided, single submitter. Criteria: Ambry Variant Classification Scheme 2023. Collection method: clinical testing. Allele origin: germline.
Comment: The p.K483N variant (also known as c.1449G>T), located in coding exon 6 of the ATR gene, results from a G to T substitution at nucleotide position 1449. The lysine at codon 483 is replaced by asparagine, an amino acid with similar properties. This amino acid position is conserved. In addition, this alteration is predicted to be tolerated by in silico analysis. Since supporting evidence is limited at this time, the clinical significance of this alteration remains unclear.

Labcorp Genetics (formerly Invitae), Labcorp
Classification: Uncertain significance. Last evaluated: 2023-02-27. Review status: criteria provided, single submitter. Criteria: Invitae Variant Classification Sherloc (09022015). Collection method: clinical testing. Allele origin: germline.
Comment: In summary, the available evidence is currently insufficient to determine the role of this variant in disease. Therefore, it has been classified as a Variant of Uncertain Significance. Algorithms developed to predict the effect of sequence changes on RNA splicing suggest that this variant may disrupt the consensus splice site. Algorithms developed to predict the effect of missense changes on protein structure and function output the following: SIFT: "Not Available"; PolyPhen-2: "Benign"; Align-GVGD: "Not Available". The asparagine amino acid residue is found in multiple mammalian species, which suggests that this missense change does not adversely affect protein function. ClinVar contains an entry for this variant (Variation ID: 1772874). This variant has not been reported in the literature in individuals affected with ATR-related conditions. This variant is present in population databases (rs200968047, gnomAD 0.0009%). This sequence change replaces lysine, which is basic and polar, with asparagine, which is neutral and polar, at codon 483 of the ATR protein (p.Lys483Asn).